The following is an entry in ClinVar:

NM_014679.5(CEP57):c.1130A>T (p.Asp377Val)

Gene: CEP57 (centrosomal protein 57; plus strand). Cytogenetic location: 11q21.
Variant type: single nucleotide variant.
Coding change: c.1130A>T on transcript NM_014679.5 (MANE Select); coding-DNA position 1130, A replaced by T.
Protein change: p.Asp377Val; replaces aspartic acid 377 with valine.
Molecular consequence: missense variant.
Genome position (GRCh38, 1-based): chr11:95,829,189, A>T. VCF-style: chr11-95829189-A-T. GRCh37 (hg19) VCF-style: chr11-95562353-A-T.
Other names: c.1103A>T, p.Asp368Val (NM_001243776.2); c.1052A>T, p.Asp351Val (NM_001243777.2); c.1049A>T, p.Asp350Val (NM_001363604.2, NM_001440869.1, NM_001440870.1); c.1022A>T, p.Asp341Val (NM_001440871.1); c.1013A>T, p.Asp338Val (NM_001440872.1); c.950A>T, p.Asp317Val (NM_001440873.1); c.944A>T, p.Asp315Val (NM_001440874.1); c.941A>T, p.Asp314Val (NM_001440875.1); and 6 more; short protein forms D278V, D341V, D377V, D311V, D351V, D290V, D302V, D315V.
Identifiers: ClinVar variation 4613623 (VCV004613623.1).
Genomic context (GRCh38, chr11:95,829,189, plus strand): 5'-AGACCTAACCATGAAACACAGAAAACTTAACCATGTTCTACTTCTGCTTTGTATATAGTG[A>T]TCACCAGCAGCTTGCAAAACTTATCCAGGAGTCGCCAACCGTTGAACTGAAAGACAAGTT-3'
Protein context (NP_055494.2, residues 367-387): LQDEFGQMSF[Asp377Val]HQQLAKLIQE

ClinVar aggregate classification (germline): Uncertain significance (1 of 4 stars; one submission).

Conditions:
Inborn genetic diseases. Identifiers: MedGen C0950123, MeSH D030342.

Submission:

Ambry Genetics
Classification: Uncertain significance for Inborn genetic diseases. Last evaluated: 2025-11-08. Review status: criteria provided, single submitter. Criteria: Ambry Variant Classification Scheme 2023. Collection method: clinical testing. Allele origin: germline.
Comment: The p.D377V variant (also known as c.1130A>T), located in coding exon 10 of the CEP57 gene, results from an A to T substitution at nucleotide position 1130. The aspartic acid at codon 377 is replaced by valine, an amino acid with highly dissimilar properties. This amino acid position is conserved. In addition, this alteration is predicted to be deleterious by in silico analysis. Based on the available evidence, the clinical significance of this variant remains unclear.